The following is an entry in ClinVar:

NM_001130823.3(DNMT1):c.2390C>G (p.Ala797Gly)

Gene: DNMT1 (DNA methyltransferase 1; minus strand). Cytogenetic location: 19p13.2.
Variant type: single nucleotide variant.
Coding change: c.2390C>G on transcript NM_001130823.3 (MANE Select); coding-DNA position 2390, C replaced by G.
Protein change: p.Ala797Gly; replaces alanine 797 with glycine.
Molecular consequence: missense variant.
Genome position (GRCh38, 1-based): chr19:10,149,649, G>C on the plus strand (C>G on the coding strand, the complement: DNMT1 is on the minus strand). VCF-style: chr19-10149649-G-C. GRCh37 (hg19) VCF-style: chr19-10260325-G-C.
Other names: c.2342C>G, p.Ala781Gly (NM_001318730.2, NM_001379.4); c.2027C>G, p.Ala676Gly (NM_001318731.2); short protein forms A797G, A676G, A781G.
Identifiers: ClinVar variation 2977389 (VCV002977389.3), dbSNP rs757300501, ClinGen allele CA9188053.

ClinVar aggregate classification (germline): Uncertain significance (1 of 4 stars; one submission).

Conditions:
Hereditary sensory neuropathy-deafness-dementia syndrome. Also called: Hereditary sensory neuropathy type IE; HSN IE; NEUROPATHY, HEREDITARY SENSORY, WITH HEARING LOSS AND DEMENTIA; Hereditary Sensory and Autonomic Neuropathy Type 1E (HSAN1E). Identifiers: Orphanet 456318, MedGen C3279885, MONDO:0013584, OMIM 614116.

gnomAD v4.1: 6 of 1,613,676 alleles (0.00037%); highest among the groups gnomAD compares: South Asian, 0.0066%; no homozygotes.

Submission:

Labcorp Genetics (formerly Invitae), Labcorp
Classification: Uncertain significance for Hereditary sensory neuropathy-deafness-dementia syndrome. Last evaluated: 2024-11-04. Review status: criteria provided, single submitter. Criteria: Invitae Variant Classification Sherloc (09022015). Collection method: clinical testing. Allele origin: germline.
Comment: This sequence change replaces alanine, which is neutral and non-polar, with glycine, which is neutral and non-polar, at codon 797 of the DNMT1 protein (p.Ala797Gly). This variant is present in population databases (rs757300501, gnomAD 0.01%). This variant has not been reported in the literature in individuals affected with DNMT1-related conditions. ClinVar contains an entry for this variant (Variation ID: 2977389). Invitae Evidence Modeling of protein sequence and biophysical properties (such as structural, functional, and spatial information, amino acid conservation, physicochemical variation, residue mobility, and thermodynamic stability) indicates that this missense variant is not expected to disrupt DNMT1 protein function with a negative predictive value of 80%. In summary, the available evidence is currently insufficient to determine the role of this variant in disease. Therefore, it has been classified as a Variant of Uncertain Significance.